The following is an entry in ClinVar:

NM_000363.5(TNNI3):c.150+13G>A

Gene: TNNI3 (troponin I3, cardiac type; minus strand). Cytogenetic location: 19q13.42.
Variant type: single nucleotide variant.
Coding change: c.150+13G>A on transcript NM_000363.5 (MANE Select); 13 bases into the intron after coding-DNA position 150, G replaced by A.
Molecular consequence: intron variant.
Genome position (GRCh38, 1-based): chr19:55,156,590, C>T on the plus strand (G>A on the coding strand, the complement: TNNI3 is on the minus strand). VCF-style: chr19-55156590-C-T. GRCh37 (hg19) VCF-style: chr19-55667958-C-T.
Identifiers: ClinVar variation 43362 (VCV000043362.27), dbSNP rs73617692, ClinGen allele CA021297.

ClinVar aggregate classification (germline): Benign/Likely benign. Review status: criteria provided, multiple submitters, no conflicts (2 of 4 stars). 13 submissions from 11 submitters: Benign (7); Likely benign (2). 4 of the submissions do not count toward it. Last evaluated 2026-02-04.

Conditions:
Cardiomyopathy (CMYO). Also called: Cardiomyopathies. Identifiers: Orphanet 167848, MedGen C0878544, MONDO:0004994, HP:0001638. Inheritance: Various modes of inheritance.
Dilated cardiomyopathy 2A (CMD2A). Also called: CARDIOMYOPATHY, CONGESTIVE, AUTOSOMAL RECESSIVE; CARDIOMYOPATHY, DILATED, AUTOSOMAL RECESSIVE. Identifiers: Orphanet 154, MedGen C2678474, MONDO:0012746, OMIM 611880.
Cardiomyopathy, familial restrictive, 1. Identifiers: Orphanet 75249, MedGen C1861861, MONDO:0007270, OMIM 115210.
Hypertrophic cardiomyopathy 7. Also called: TNNI3-Related Familial Hypertrophic Cardiomyopathy; Familial hypertrophic cardiomyopathy 7; CARDIOMYOPATHY, FAMILIAL HYPERTROPHIC, 7, MODIFIER OF. Identifiers: MedGen C1860752, MONDO:0013369, OMIM 613690.
Hypertrophic cardiomyopathy. Also called: HYPERTROPHIC MYOCARDIOPATHY. Identifiers: Orphanet 217569, MedGen C0007194, MeSH D002312, MONDO:0005045, HP:0001639.

Allele frequency attached by ClinVar (database versions not stated): 1000 Genomes Project 0.07688; TOPMed 0.07898; 1000 Genomes Project 30x 0.08229; gnomAD 0.06903 and 0.07353; ESP Exome Variant Server 0.07156.
gnomAD v4.1: 22,908 of 1,560,062 alleles (1.5%); highest among the groups gnomAD compares: African/African-American, 23%; 2,141 homozygotes.

Submissions (13):

Labcorp Genetics (formerly Invitae), Labcorp
Classification: Benign for Hypertrophic cardiomyopathy. Last evaluated: 2026-02-04. Review status: criteria provided, single submitter. Criteria: Invitae Variant Classification Sherloc (09022015). Collection method: clinical testing. Allele origin: germline.

CHEO Genetics Diagnostic Laboratory, Children's Hospital of Eastern Ontario
Classification: Benign for Cardiomyopathy. Last evaluated: 2018-11-26. Review status: criteria provided, single submitter. Criteria: ACMG Guidelines, 2015. Collection method: clinical testing. Allele origin: germline.

Illumina Laboratory Services, Illumina
Classification: Benign for Cardiomyopathy, familial restrictive, 1. Last evaluated: 2018-01-13. Review status: criteria provided, single submitter. Criteria: ICSL Variant Classification Criteria 13 December 2019. Collection method: clinical testing. Allele origin: germline.
Comment: This variant was observed in the ICSL laboratory as part of a predisposition screen in an ostensibly healthy population. It had not been previously curated by ICSL or reported in the Human Gene Mutation Database (HGMD: prior to June 1st, 2018), and was therefore a candidate for classification through an automated scoring system. Utilizing variant allele frequency, disease prevalence and penetrance estimates, and inheritance mode, an automated score was calculated to assess if this variant is too frequent to cause the disease. Based on the score and internal cut-off values, a variant classified as benign is not then subjected to further curation. The score for this variant resulted in a classification of benign for this disease.

Illumina Laboratory Services, Illumina
Classification: Benign for Hypertrophic cardiomyopathy 7. Last evaluated: 2018-01-13. Review status: criteria provided, single submitter. Criteria: ICSL Variant Classification Criteria 13 December 2019. Collection method: clinical testing. Allele origin: germline.
Comment: the same text as in the submission from Illumina Laboratory Services, Illumina above.

Illumina Laboratory Services, Illumina
Classification: Likely benign for Dilated cardiomyopathy 2A. Last evaluated: 2018-01-13. Review status: criteria provided, single submitter. Criteria: ICSL Variant Classification Criteria 13 December 2019. Collection method: clinical testing. Allele origin: germline.
Comment: This variant was observed in the ICSL laboratory as part of a predisposition screen in an ostensibly healthy population. It had not been previously curated by ICSL or reported in the Human Gene Mutation Database (HGMD: prior to June 1st, 2018), and was therefore a candidate for classification through an automated scoring system. Utilizing variant allele frequency, disease prevalence and penetrance estimates, and inheritance mode, an automated score was calculated to assess if this variant is too frequent to cause the disease. Based on the score and internal cut-off values, a variant classified as likely benign is not then subjected to further curation. The score for this variant resulted in a classification of likely benign for this disease.

Laboratory for Molecular Medicine, Mass General Brigham Personalized Medicine
Classification: Benign. Last evaluated: 2011-09-23. Review status: criteria provided, single submitter. Criteria: LMM Criteria. Collection method: clinical testing. Allele origin: germline. Observed: 158 variant alleles.

GeneDx
Classification: Benign. Last evaluated: 2011-06-27. Review status: criteria provided, single submitter. Criteria: GeneDx Variant Classification (06012015). Collection method: clinical testing. Allele origin: germline. Affected: yes.
Comment: This variant is considered likely benign or benign based on one or more of the following criteria: it is a conservative change, it occurs at a poorly conserved position in the protein, it is predicted to be benign by multiple in silico algorithms, and/or has population frequency not consistent with disease.

Breakthrough Genomics
Classification: Likely benign. Review status: criteria provided, single submitter. Criteria: ACMG Guidelines, 2015. Collection method: not provided. Allele origin: germline. Inheritance: Autosomal recessive inheritance. Affected: yes.

PreventionGenetics, part of Exact Sciences
Classification: Benign. Review status: criteria provided, single submitter. Criteria: ACMG Guidelines, 2015. Collection method: clinical testing. Allele origin: germline.

Cohesion Phenomics
Classification: Benign for Hypertrophic Cardiomyopathy. Last evaluated: 2022-10-10. Review status: no assertion criteria provided. Criteria: ACMG Guidelines, 2015. Collection method: clinical testing. Allele origin: germline. Affected: yes. Not counted in ClinVar's aggregate classification.

Clinical Genetics DNA and cytogenetics Diagnostics Lab, Erasmus MC, Erasmus Medical Center
Classification: Benign. Review status: no assertion criteria provided. Collection method: clinical testing. Allele origin: germline. Affected: yes. Study: VKGL Data-share Consensus. Not counted in ClinVar's aggregate classification.

Clinical Genetics, Academic Medical Center
Classification: Benign. Review status: no assertion criteria provided. Collection method: clinical testing. Allele origin: germline. Affected: yes. Study: VKGL Data-share Consensus. Not counted in ClinVar's aggregate classification.

Joint Genome Diagnostic Labs from Nijmegen and Maastricht, Radboudumc and MUMC+
Classification: Likely benign. Review status: no assertion criteria provided. Collection method: clinical testing. Allele origin: germline. Affected: yes. Study: VKGL Data-share Consensus. Not counted in ClinVar's aggregate classification.